The following is an entry in ClinVar:

NM_031407.7(HUWE1):c.9208C>T (p.Arg3070Cys)

Gene: HUWE1 (HECT, UBA and WWE domain containing E3 ubiquitin protein ligase 1; minus strand). Cytogenetic location: Xp11.22.
Variant type: single nucleotide variant.
Coding change: c.9208C>T on transcript NM_031407.7 (MANE Select); coding-DNA position 9208, C replaced by T.
Protein change: p.Arg3070Cys; replaces arginine 3070 with cysteine.
Molecular consequence: missense variant.
Genome position (GRCh38, 1-based): chrX:53,551,078, G>A on the plus strand (C>T on the coding strand, the complement: HUWE1 is on the minus strand). VCF-style: chrX-53551078-G-A. GRCh37 (hg19) VCF-style: chrX-53578039-G-A.
Other names: short protein forms R3070C.
Identifiers: ClinVar variation 280723 (VCV000280723.26), dbSNP rs886041876, ClinGen allele CA10603617.

ClinVar aggregate classification (germline): Pathogenic/Likely pathogenic. Review status: criteria provided, multiple submitters, no conflicts (2 of 4 stars). 12 submissions from 12 submitters: Pathogenic (9); Likely pathogenic (3). Last evaluated 2025-07-03.

Conditions:
Inborn genetic diseases. Identifiers: MedGen C0950123, MeSH D030342.
Intellectual disability. Also called: Intellectual developmental disorder; Intellectual functioning disability; intellectual disabilities. Identifiers: MedGen C3714756, MeSH D008607, MONDO:0001071, HP:0001249.
Neurodevelopmental delay. Identifiers: MedGen C4022738, HP:0012758.
HUWE1-related disorder. Also called: HUWE1-related condition.
Intellectual developmental disorder, X-linked, syndromic, Turner type. Also called: X-linked intellectual disability, Turner type; Intellectual disability, X-linked syndromic, Turner type. Identifiers: Orphanet 3056, Orphanet 85328, MedGen C2678046, MONDO:0010407, OMIM 309590.

Submissions (12):

Labcorp Genetics (formerly Invitae), Labcorp
Classification: Pathogenic. Last evaluated: 2025-07-03. Review status: criteria provided, single submitter. Criteria: Invitae Variant Classification Sherloc (09022015). Collection method: clinical testing. Allele origin: germline.
Comment: This sequence change replaces arginine, which is basic and polar, with cysteine, which is neutral and slightly polar, at codon 3070 of the HUWE1 protein (p.Arg3070Cys). This variant is not present in population databases (gnomAD no frequency). This missense change has been observed in individual(s) with HUWE1-related disease (PMID: 29180823). In at least one individual the variant was observed to be de novo. ClinVar contains an entry for this variant (Variation ID: 280723). Invitae Evidence Modeling of protein sequence and biophysical properties (such as structural, functional, and spatial information, amino acid conservation, physicochemical variation, residue mobility, and thermodynamic stability) indicates that this missense variant is expected to disrupt HUWE1 protein function with a positive predictive value of 95%. For these reasons, this variant has been classified as Pathogenic.

Ambry Genetics
Classification: Pathogenic for Inborn genetic diseases. Last evaluated: 2024-12-16. Review status: criteria provided, single submitter. Criteria: Ambry Variant Classification Scheme 2023. Collection method: clinical testing. Allele origin: germline.
Comment: The c.9208C>T (p.R3070C) alteration is located in exon 65 (coding exon 62) of the HUWE1 gene. This alteration results from a C to T substitution at nucleotide position 9208, causing the arginine (R) at amino acid position 3070 to be replaced by a cysteine (C). This variant was not reported in population-based cohorts in the Genome Aggregation Database (gnomAD). This variant has been reported in both heterozygous female and hemizygous male individual(s) with features consistent with HUWE1-related neurodevelopmental disorder; in at least one individual, it was determined to be a de novo variant (Moortgat, 2018; Monies, 2019; J&auml;rvel&auml;, 2021; Zhou, 2022; Schmidt, 2024). This amino acid position is well conserved in available vertebrate species. This missense alteration is located in a region that has a low rate of benign missense variation (Lek, 2016; Firth, 2009). This alteration is predicted to be deleterious by in silico analysis. Based on the available evidence, this alteration is classified as pathogenic.

Duke University Health System Sequencing Clinic, Duke University Health System
Classification: Pathogenic for Intellectual developmental disorder, X-linked, syndromic, Turner type. Last evaluated: 2023-04-20. Review status: criteria provided, single submitter. Criteria: ACMG Guidelines, 2015. Collection method: research. Allele origin: de novo. Affected: yes.

GeneDx
Classification: Pathogenic. Last evaluated: 2022-11-10. Review status: criteria provided, single submitter. Criteria: GeneDx Variant Classification Process June 2021. Collection method: clinical testing. Allele origin: germline. Affected: yes.
Comment: In silico analysis supports that this missense variant has a deleterious effect on protein structure/function; Not observed at significant frequency in large population cohorts (gnomAD); This variant is associated with the following publications: (PMID: 29180823, 32336296, 31130284, 33710394, 33504798)

Institute for Medical Genetics and Human Genetics, Charité - Universitätsmedizin Berlin
Classification: Pathogenic for Intellectual developmental disorder, X-linked, syndromic, Turner type. Last evaluated: 2022-09-22. Review status: criteria provided, single submitter. Criteria: ACMG Guidelines, 2015. Collection method: clinical testing. Allele origin: germline. Inheritance: X-linked inheritance. Affected: yes. Observed: 1 hemizygote.

3billion
Classification: Pathogenic for Intellectual developmental disorder, X-linked, syndromic, Turner type. Last evaluated: 2022-09-01. Review status: criteria provided, single submitter. Criteria: ACMG Guidelines, 2015. Collection method: clinical testing. Allele origin: germline. Affected: yes. Observed: 1 homozygote.
Comment: The variant is not observed in the gnomAD v2.1.1 dataset. Missense changes are a common disease-causing mechanism. In silico tool predictions suggest damaging effect of the variant on gene or gene product (REVEL: 0.87; 3Cnet: 0.94). Same nucleotide change resulting in same amino acid change has been previously reported as pathogenic/likely pathogenic with strong evidence (ClinVar ID: VCV000280723). A different missense change at the same codon (p.Arg3070His) has been reported as pathogenic/likely pathogenic with strong evidence (ClinVar ID: VCV000841299). Therefore, this variant is classified as Pathogenic according to the recommendation of ACMG/AMP guideline.

Revvity Omics, Revvity
Classification: Likely pathogenic for Intellectual developmental disorder, X-linked, syndromic, Turner type. Last evaluated: 2021-03-25. Review status: criteria provided, single submitter. Criteria: ACMG Guidelines, 2015. Collection method: clinical testing. Allele origin: germline.

Blueprint Genetics
Classification: Likely pathogenic for HUWE1-related disorders. Last evaluated: 2021-01-15. Review status: criteria provided, single submitter. Criteria: ACMG Guidelines, 2015. Collection method: clinical testing. Allele origin: germline. Affected: yes. Observed: 1 variant allele.

Center for Statistical Genetics, Columbia University
Classification: Pathogenic for Intellectual disability. Last evaluated: 2020-10-16. Review status: criteria provided, single submitter. Criteria: ACMG Guidelines, 2015. Collection method: research. Allele origin: unknown. Affected: yes.

Fulgent Genetics
Classification: Pathogenic for Intellectual developmental disorder, X-linked, syndromic, Turner type. Last evaluated: 2018-10-31. Review status: criteria provided, single submitter. Criteria: ACMG Guidelines, 2015. Collection method: clinical testing. Allele origin: unknown.

Center for Medical Genetics and Molecular Medicine, Haukeland University Hospital
Classification: Likely pathogenic for Intellectual developmental disorder, X-linked, syndromic, Turner type. Last evaluated: 2017-01-18. Review status: criteria provided, single submitter. Criteria: ACMG Guidelines, 2015. Collection method: clinical testing. Allele origin: de novo. Inheritance: X-linked inheritance. Affected: no. Observed: 2 variant alleles. Segregation with disease observed.
Comment: ACMG evidence: PS(1), PM(1), PP(3)

Centre de Biologie Pathologie Génétique, Centre Hospitalier Universitaire de Lille
Classification: Pathogenic for Neurodevelopmental delay. Review status: criteria provided, single submitter. Criteria: ACMG Guidelines, 2015. Collection method: clinical testing. Allele origin: de novo. Affected: yes.

Literature cited by the submitters: PubMed 29180823 (cited by Labcorp Genetics (formerly Invitae), Labcorp and Ambry Genetics); PubMed 31130284 (cited by Ambry Genetics); PubMed 33710394 (cited by Ambry Genetics); PubMed 35982159 (cited by Ambry Genetics); PubMed 39039281 (cited by Ambry Genetics).